The following is an entry in ClinVar:

ClinVar aggregate classification (germline): Likely pathogenic (1 of 4 stars; one submission).

Conditions:
Dilated cardiomyopathy 1G (CMD1G). Identifiers: Orphanet 154, MedGen C1858763, MONDO:0011400, OMIM 604145.
Autosomal recessive limb-girdle muscular dystrophy type 2J (LGMDR10). Also called: Limb-girdle muscular dystrophy, type 2J; MUSCULAR DYSTROPHY, LIMB-GIRDLE, AUTOSOMAL RECESSIVE 10. Identifiers: Orphanet 140922, MedGen C1837342, MONDO:0012127, OMIM 608807.

Submission:

Labcorp Genetics (formerly Invitae), Labcorp
Classification: Likely pathogenic for Dilated cardiomyopathy 1G; Autosomal recessive limb-girdle muscular dystrophy type 2J. Last evaluated: 2025-04-02. Review status: criteria provided, single submitter. Criteria: Invitae Variant Classification Sherloc (09022015). Collection method: clinical testing. Allele origin: germline.
Comment: This sequence change creates a premature translational stop signal (p.Trp23873*) in the TTN gene. While this is not anticipated to result in nonsense mediated decay, it is expected to create a truncated TTN protein. This variant is not present in population databases (gnomAD no frequency). This variant has not been reported in the literature in individuals affected with TTN-related conditions. ClinVar contains an entry for this variant (Variation ID: 2934811). This variant is located in the A band of TTN (PMID: 25589632). Truncating variants in this region are significantly overrepresented in patients affected with dilated cardiomyopathy (PMID: 25589632). Truncating variants in this region have also been reported in individuals affected with autosomal recessive centronuclear myopathy (PMID: 23975875). In summary, the currently available evidence indicates that the variant is pathogenic, but additional data are needed to prove that conclusively. Therefore, this variant has been classified as Likely Pathogenic.

Literature cited by the submitters: PubMed 25589632; PubMed 23975875.

NM_001267550.2(TTN):c.71619G>A (p.Trp23873Ter)

Genes: TTN-AS1 (TTN antisense RNA 1; plus strand), TTN (titin; minus strand). Cytogenetic location: 2q31.2.
Variant type: single nucleotide variant.
Coding change: c.71619G>A on transcript NM_001267550.2 (MANE Select); coding-DNA position 71619, G replaced by A.
Protein change: p.Trp23873Ter; replaces tryptophan 23873 with a stop codon.
Molecular consequence: nonsense.
Genome position (GRCh38, 1-based): chr2:178,574,513, C>T on the plus strand (G>A on the coding strand, the complement: TTN is on the minus strand). VCF-style: chr2-178574513-C-T. GRCh37 (hg19) VCF-style: chr2-179439240-C-T.
Other names: c.66696G>A, p.Trp22232Ter (NM_001256850.1); c.44424G>A, p.Trp14808Ter (NM_003319.4); c.63915G>A, p.Trp21305Ter (NM_133378.4); c.44799G>A, p.Trp14933Ter (NM_133432.3); c.45000G>A, p.Trp15000Ter (NM_133437.4); short protein forms W15000*, W23873*, W14808*, W14933*, W21305*, W22232*.
Identifiers: ClinVar variation 2934811 (VCV002934811.3), dbSNP rs2468633800, ClinGen allele CA349652182.